The following is an entry in ClinVar:

NM_001470.4(GABBR1):c.2378G>A (p.Ser793Asn)

Gene: GABBR1 (gamma-aminobutyric acid type B receptor subunit 1; minus strand). Cytogenetic location: 6p22.1.
Variant type: single nucleotide variant.
Coding change: c.2378G>A on transcript NM_001470.4 (MANE Select); coding-DNA position 2378, G replaced by A.
Protein change: p.Ser793Asn; replaces serine 793 with asparagine.
Molecular consequence: missense variant.
Genome position (GRCh38, 1-based): chr6:29,605,630, C>T on the plus strand (G>A on the coding strand, the complement: GABBR1 is on the minus strand). VCF-style: chr6-29605630-C-T. GRCh37 (hg19) VCF-style: chr6-29573407-C-T.
Other names: c.1847G>A, p.Ser616Asn (NM_001319053.2); c.2027G>A, p.Ser676Asn (NM_021903.3); c.2192G>A, p.Ser731Asn (NM_021904.4); short protein forms S616N, S676N, S731N, S793N.
Identifiers: ClinVar variation 4881235 (VCV004881235.2).
Genomic context (GRCh38, chr6:29,605,630, plus strand): 5'-GCCACATTGTAGATAGCCATGCCCACAGCCCGGTGATCATTGATCTTCTCAGTGGACACA[C>T]TCTTGGTCTCATAAGCAAGGAAGATTCCCAGCAGCAGCAGCAGCCCCTTGTAACCATAGA-3'
Protein context (NP_001461.1, residues 783-803): LGIFLAYETK[Ser793Asn]VSTEKINDHR

ClinVar aggregate classification (germline): Uncertain significance (1 of 4 stars; one submission).

gnomAD v4.1: 1 of 1,613,164 alleles (0.000062%); highest among the groups gnomAD compares: Non-Finnish European, 0.000085%; no homozygotes.

Submission:

Dasa
Classification: Uncertain significance. Last evaluated: 2024-11-22. Review status: criteria provided, single submitter. Criteria: DASA Assertion Criteria. Collection method: clinical testing. Allele origin: germline.
Comment: NM_001470.4(GABBR1):c.2378G>A (p.Ser793Asn) is a missense variant that results in the substitution of serine with asparagine. This variant is rare in population databases. Computational prediction algorithms are consistent with a benign effect. The currently available literature and clinical evidence are not sufficient to establish a definitive association between this variant and the reported condition. Therefore, this variant is classified as a variant of uncertain significance.